The following is an entry in ClinVar:

NM_002150.3(HPD):c.880A>G (p.Thr294Ala)

Genes: TIALD (transcript inducer of AURKA lysosomal degradation; plus strand), HPD (4-hydroxyphenylpyruvate dioxygenase; minus strand). Cytogenetic location: 12q24.31.
Variant type: single nucleotide variant.
Coding change: c.880A>G on transcript NM_002150.3 (MANE Select); coding-DNA position 880, A replaced by G.
Protein change: p.Thr294Ala; replaces threonine 294 with alanine.
Molecular consequence: missense variant.
Genome position (GRCh38, 1-based): chr12:121,843,784, T>C on the plus strand (A>G on the coding strand, the complement: HPD is on the minus strand). VCF-style: chr12-121843784-T-C. GRCh37 (hg19) VCF-style: chr12-122281690-T-C.
Other names: c.763A>G, p.Thr255Ala (NM_001171993.2); short protein forms T255A, T294A.
Identifiers: ClinVar variation 1312275 (VCV001312275.2), dbSNP rs777465411, ClinGen allele CA6839493.

ClinVar aggregate classification (germline): Uncertain significance (1 of 4 stars; one submission).

Allele frequency attached by ClinVar (database versions not stated): gnomAD 0.00001; gnomAD exomes 0.00002 and 0.00004; TOPMed 0.00002; ExAC 0.00003.
gnomAD v4.1: 13 of 1,613,974 alleles (0.00081%); highest among the groups gnomAD compares: Admixed American, 0.02%; no homozygotes.

Submission:

GeneDx
Classification: Uncertain significance. Last evaluated: 2022-12-12. Review status: criteria provided, single submitter. Criteria: GeneDx Variant Classification Process June 2021. Collection method: clinical testing. Allele origin: germline. Affected: yes.
Comment: In silico analysis, which includes protein predictors and evolutionary conservation, supports a deleterious effect; Has not been previously published as pathogenic or benign to our knowledge